The following is an entry in ClinVar:

NM_002439.5(MSH3):c.2813G>A (p.Arg938Lys)

Gene: MSH3 (mutS homolog 3; plus strand). Cytogenetic location: 5q14.1.
Variant type: single nucleotide variant.
Coding change: c.2813G>A on transcript NM_002439.5 (MANE Select); coding-DNA position 2813, G replaced by A.
Protein change: p.Arg938Lys; replaces arginine 938 with lysine.
Molecular consequence: missense variant.
Genome position (GRCh38, 1-based): chr5:80,813,741, G>A. VCF-style: chr5-80813741-G-A. GRCh37 (hg19) VCF-style: chr5-80109560-G-A.
Other names: short protein forms R938K.
Identifiers: ClinVar variation 821841 (VCV000821841.5), dbSNP rs1580066615, ClinGen allele CA360274127.

ClinVar aggregate classification (germline): Uncertain significance (1 of 4 stars; one submission).

Conditions:
Hereditary cancer-predisposing syndrome. Also called: Tumor predisposition; Neoplastic Syndromes, Hereditary; Hereditary Cancer Syndrome; Hereditary neoplastic syndrome. Identifiers: Orphanet 140162, MedGen C0027672, MeSH D009386, MONDO:0015356.

Submission:

Ambry Genetics
Classification: Uncertain significance for Hereditary cancer-predisposing syndrome. Last evaluated: 2026-02-13. Review status: criteria provided, single submitter. Criteria: Ambry Variant Classification Scheme 2023. Collection method: clinical testing. Allele origin: germline.
Comment: The c.2813G>A variant (also known as p.R938K), located in coding exon 20 of the MSH3 gene, results from a G to A substitution at nucleotide position 2813. The amino acid change results in arginine to lysine at codon 938, an amino acid with highly similar properties. However, this change occurs in the last base pair of coding exon 20, which makes it likely to have some effect on normal mRNA splicing. This nucleotide position is highly conserved in available vertebrate species. This amino acid position is highly conserved in available vertebrate species. In silico splice site analysis for this alteration is inconclusive. In addition, this alteration is predicted to be deleterious by in silico analysis. Based on the available evidence, the clinical significance of this variant remains unclear.